The following is an entry in ClinVar:

ClinVar aggregate classification (germline): Uncertain significance. Review status: criteria provided, multiple submitters, no conflicts (2 of 4 stars). 2 submissions from 2 submitters: Uncertain significance (2). Last evaluated 2019-11-05.

Allele frequency attached by ClinVar (database versions not stated): gnomAD exomes below 0.00001.
gnomAD v4.1: 1 of 1,612,270 alleles (0.000062%); highest among the groups gnomAD compares: Non-Finnish European, 0.000085%; no homozygotes.

Submissions (2):

Blueprint Genetics
Classification: Uncertain significance. Last evaluated: 2019-11-05. Review status: criteria provided, single submitter. Criteria: ACMG Guidelines, 2015. Collection method: clinical testing. Allele origin: germline.

GeneDx
Classification: Uncertain significance. Last evaluated: 2019-10-10. Review status: criteria provided, single submitter. Criteria: GeneDx Variant Classification Process June 2021. Collection method: clinical testing. Allele origin: germline. Affected: yes.
Comment: Has not been previously published as pathogenic or benign to our knowledge; Not observed in large population cohorts (Lek et al., 2016); In silico analysis, which includes protein predictors and evolutionary conservation, supports a deleterious effect; Although located in a calcium-binding EGF-like domain of the FBN1 gene, it does not affect a cysteine residue within this domain; cysteine substitutions in the calcium-binding EGF-like domains represent the majority of pathogenic missense changes associated with FBN1 related disorders (Collod-Beroud et al., 2003)

NM_000138.5(FBN1):c.6398A>G (p.Glu2133Gly)

Gene: FBN1 (fibrillin 1; minus strand). Cytogenetic location: 15q21.1.
Variant type: single nucleotide variant.
Coding change: c.6398A>G on transcript NM_000138.5 (MANE Select); coding-DNA position 6398, A replaced by G.
Protein change: p.Glu2133Gly; replaces glutamic acid 2133 with glycine.
Molecular consequence: missense variant.
Genome position (GRCh38, 1-based): chr15:48,437,059, T>C on the plus strand (A>G on the coding strand, the complement: FBN1 is on the minus strand). VCF-style: chr15-48437059-T-C. GRCh37 (hg19) VCF-style: chr15-48729256-T-C.
Other names: short protein forms E2133G.
Identifiers: ClinVar variation 1309316 (VCV001309316.3), dbSNP rs2141240476, ClinGen allele CA392336675.